The following is an entry in ClinVar:

NM_025099.6(CTC1):c.1078-4G>T

Gene: CTC1 (CST telomere replication complex component 1; minus strand). Cytogenetic location: 17p13.1.
Variant type: single nucleotide variant.
Coding change: c.1078-4G>T on transcript NM_025099.6 (MANE Select); 4 bases into the intron before coding-DNA position 1078, G replaced by T.
Molecular consequence: intron variant.
Genome position (GRCh38, 1-based): chr17:8,235,963, C>A on the plus strand (G>T on the coding strand, the complement: CTC1 is on the minus strand). VCF-style: chr17-8235963-C-A. GRCh37 (hg19) VCF-style: chr17-8139281-C-A.
Other names: c.1078-4G>T (NM_025099.5).
Identifiers: ClinVar variation 1594535 (VCV001594535.9), dbSNP rs375114652, ClinGen allele CA8372465.

ClinVar aggregate classification (germline): Likely benign. Review status: criteria provided, multiple submitters, no conflicts (2 of 4 stars). 2 submissions from 2 submitters: Likely benign (2). Last evaluated 2026-01-09.

Conditions:
Dyskeratosis congenita. Identifiers: Orphanet 1775, MedGen C0265965, MONDO:0015780.
CTC1-related disorder. Also called: CTC1-related condition.

Allele frequency attached by ClinVar (database versions not stated): ESP Exome Variant Server 0.00016; 1000 Genomes Project 0.00020; 1000 Genomes Project 30x 0.00031.
gnomAD v4.1: 117 of 1,603,624 alleles (0.0073%); highest among the groups gnomAD compares: Middle Eastern, 0.017%; no homozygotes.

Submissions (2):

Labcorp Genetics (formerly Invitae), Labcorp
Classification: Likely benign for Dyskeratosis congenita. Last evaluated: 2026-01-09. Review status: criteria provided, single submitter. Criteria: Invitae Variant Classification Sherloc (09022015). Collection method: clinical testing. Allele origin: germline.

PreventionGenetics, part of Exact Sciences
Classification: Likely benign for CTC1-related condition. Last evaluated: 2025-05-01. Review status: criteria provided, single submitter. Criteria: ACMG Guidelines, 2015. Collection method: clinical testing. Allele origin: germline.
Comment: This variant is classified as likely benign based on ACMG/AMP sequence variant interpretation guidelines (Richards et al. 2015 PMID: 25741868, with internal and published modifications).